The following is an entry in ClinVar:

NM_004415.4(DSP):c.4673G>A (p.Arg1558Gln)

Gene: DSP (desmoplakin; plus strand). Cytogenetic location: 6p24.3.
Variant type: single nucleotide variant.
Coding change: c.4673G>A on transcript NM_004415.4 (MANE Select); coding-DNA position 4673, G replaced by A.
Protein change: p.Arg1558Gln; replaces arginine 1558 with glutamine.
Molecular consequence: missense variant. On other transcripts: intron variant (2).
Genome position (GRCh38, 1-based): chr6:7,580,863, G>A. VCF-style: chr6-7580863-G-A. GRCh37 (hg19) VCF-style: chr6-7581096-G-A.
Other names: c.4050+623G>A (NM_001319034.2); c.3582+1091G>A (NM_001008844.3); short protein forms R1558Q.
Identifiers: ClinVar variation 2926460 (VCV002926460.6), dbSNP rs762105733, ClinGen allele CA042442.
Genomic context (GRCh38, chr6:7,580,863, plus strand): 5'-TGAGGATCGACTATGAAAGGGTTTCCCAGGAGAGGACTGTGAAGGACCAGGATATCACGC[G>A]GTTCCAGAACTCTCTGAAAGAGCTGCAGCTGCAGAAGCAGAAGGTGGAAGAGGAGCTGAA-3'
Protein context (NP_004406.2, residues 1548-1568): ERTVKDQDIT[Arg1558Gln]FQNSLKELQL

ClinVar aggregate classification (germline): Conflicting classifications of pathogenicity. Review status: criteria provided, conflicting classifications (1 of 4 stars). 4 submissions from 4 submitters: Uncertain significance (3); Likely benign (1). Last evaluated 2025-08-17.

Conditions:
Cardiovascular phenotype. Identifiers: MedGen CN230736.
Arrhythmogenic right ventricular dysplasia 8 (ARVD8). Also called: Arrhythmogenic Right Ventricular Dysplasia/Cardiomyopathy 8; ARRHYTHMOGENIC RIGHT VENTRICULAR DYSPLASIA, FAMILIAL, 8; ARRHYTHMOGENIC RIGHT VENTRICULAR CARDIOMYOPATHY 8. Identifiers: MedGen C1843896, MONDO:0011831, OMIM 607450.
Arrhythmogenic cardiomyopathy with wooly hair and keratoderma. Also called: PALMOPLANTAR KERATODERMA WITH LEFT VENTRICULAR CARDIOMYOPATHY AND WOOLLY HAIR; Carvajal syndrome; Arrhythmogenic cardiomyopathy with woolly hair and keratoderma; Dilated cardiomyopathy with woolly hair and keratoderma. Identifiers: Orphanet 65282, MedGen C1854063, MONDO:0011581, OMIM 605676.
Cardiomyopathy (CMYO). Also called: Cardiomyopathies. Identifiers: Orphanet 167848, MedGen C0878544, MONDO:0004994, HP:0001638. Inheritance: Various modes of inheritance.

Allele frequency attached by ClinVar (database versions not stated): gnomAD exomes 0.00001; TOPMed 0.00001; ExAC 0.00003; gnomAD 0.00003.
gnomAD v4.1: 21 of 1,614,026 alleles (0.0013%); highest among the groups gnomAD compares: South Asian, 0.011%; no homozygotes.

Submissions (4):

Labcorp Genetics (formerly Invitae), Labcorp
Classification: Likely benign for Arrhythmogenic cardiomyopathy with wooly hair and keratoderma; Arrhythmogenic right ventricular dysplasia 8. Last evaluated: 2025-08-17. Review status: criteria provided, single submitter. Criteria: Invitae Variant Classification Sherloc (09022015). Collection method: clinical testing. Allele origin: germline.

Color Diagnostics, LLC DBA Color Health
Classification: Uncertain significance for Cardiomyopathy. Last evaluated: 2024-03-06. Review status: criteria provided, single submitter. Criteria: ACMG Guidelines, 2015. Collection method: clinical testing. Allele origin: germline.
Comment: This missense variant replaces arginine with glutamine at codon 1558 of the DSP protein. Computational prediction suggests that this variant may not impact protein structure and function. To our knowledge, functional studies have not been reported for this variant. This variant has not been reported in individuals affected with cardiovascular disorders in the literature. This variant has been identified in 8/250200 chromosomes in the general population by the Genome Aggregation Database (gnomAD). The available evidence is insufficient to determine the role of this variant in disease conclusively. Therefore, this variant is classified as a Variant of Uncertain Significance.

Ambry Genetics
Classification: Uncertain significance for Cardiovascular phenotype. Last evaluated: 2023-11-28. Review status: criteria provided, single submitter. Criteria: Ambry Variant Classification Scheme 2023. Collection method: clinical testing. Allele origin: germline.

All of Us Research Program, National Institutes of Health
Classification: Uncertain significance for Arrhythmogenic cardiomyopathy with wooly hair and keratoderma. Last evaluated: 2023-06-08. Review status: criteria provided, single submitter. Criteria: ACMG Guidelines, 2015. Collection method: clinical testing. Allele origin: germline. Inheritance: Autosomal dominant inheritance. Observed: 3 variant alleles, 3 heterozygotes.
Comment: This missense variant replaces arginine with glutamine at codon 1558 of the DSP protein. Computational prediction suggests that this variant may not impact protein structure and function (internally defined REVEL score threshold <= 0.5, PMID: 27666373). To our knowledge, functional studies have not been reported for this variant. This variant has not been reported in individuals affected with cardiovascular disorders in the literature. This variant has been identified in 8/250200 chromosomes in the general population by the Genome Aggregation Database (gnomAD). The available evidence is insufficient to determine the role of this variant in disease conclusively. Therefore, this variant is classified as a Variant of Uncertain Significance.

This study involves interpretation of variants in research participants for the purpose of population health screening. Participant phenotype was not available at the time of variant classification. Additional details can be found in publication PMID: 35346344, PMCID: PMC8962531